The following is an entry in ClinVar:

ClinVar aggregate classification (germline): Uncertain significance (1 of 4 stars; one submission).

Conditions:
Bethlem myopathy 1A. Also called: MYOPATHY, BENIGN CONGENITAL, WITH CONTRACTURES; Bethlem Muscular Dystrophy; Bethlem myopathy 1. Identifiers: Orphanet 610, MedGen CN029274, MONDO:0024530, OMIM 158810.

Submission:

Labcorp Genetics (formerly Invitae), Labcorp
Classification: Uncertain significance for Bethlem myopathy 1A. Last evaluated: 2023-07-07. Review status: criteria provided, single submitter. Criteria: Invitae Variant Classification Sherloc (09022015). Collection method: clinical testing. Allele origin: germline.
Comment: This sequence change replaces leucine, which is neutral and non-polar, with valine, which is neutral and non-polar, at codon 808 of the COL6A3 protein (p.Leu808Val). This variant is not present in population databases (gnomAD no frequency). This variant has not been reported in the literature in individuals affected with COL6A3-related conditions. ClinVar contains an entry for this variant (Variation ID: 2068119). Advanced modeling of protein sequence and biophysical properties (such as structural, functional, and spatial information, amino acid conservation, physicochemical variation, residue mobility, and thermodynamic stability) performed at Invitae indicates that this missense variant is not expected to disrupt COL6A3 protein function. In summary, the available evidence is currently insufficient to determine the role of this variant in disease. Therefore, it has been classified as a Variant of Uncertain Significance.

NM_004369.4(COL6A3):c.2422T>G (p.Leu808Val)

Gene: COL6A3 (collagen type VI alpha 3 chain; minus strand). Cytogenetic location: 2q37.3.
Variant type: single nucleotide variant.
Coding change: c.2422T>G on transcript NM_004369.4 (MANE Select); coding-DNA position 2422, T replaced by G.
Protein change: p.Leu808Val; replaces leucine 808 with valine.
Molecular consequence: missense variant. On other transcripts: intron variant (1).
Genome position (GRCh38, 1-based): chr2:237,378,711, A>C on the plus strand (T>G on the coding strand, the complement: COL6A3 is on the minus strand). VCF-style: chr2-237378711-A-C. GRCh37 (hg19) VCF-style: chr2-238287354-A-C.
Other names: c.1201T>G, p.Leu401Val (NM_057164.5); c.1804T>G, p.Leu602Val (NM_057165.5, NM_057167.4); c.677-1367T>G (NM_057166.5); short protein forms L401V, L602V, L808V.
Identifiers: ClinVar variation 2068119 (VCV002068119.4), dbSNP rs2469919321, ClinGen allele CA351212567.
Genomic context (GRCh38, chr2:237,378,711, plus strand): 5'-GTACTTCCTCCACACCTCCACTAACATATGTGGTTAGGGGCTGAATCAGCTGCTGAGGCA[A>C]AGCTGGCAGGGAGCTGAAATCATCCATGAGATACACCAGGCTTGGGTTAAAAGCAATCTG-3'
Protein context (NP_004360.2, residues 798-818): LMDDFSSLPA[Leu808Val]PQQLIQPLTT